The following is an entry in ClinVar:

NM_000198.4(HSD3B2):c.1A>T (p.Met1Leu)

Genes: HSD3B2 (hydroxy-delta-5-steroid dehydrogenase, 3 beta- and steroid delta-isomerase 2; plus strand), LOC109029530 (HSD3B2 5' regulatory region; plus strand). Cytogenetic location: 1p12.
Variant type: single nucleotide variant.
Coding change: c.1A>T on transcript NM_000198.4 (MANE Select); coding-DNA position 1, A replaced by T.
Protein change: p.Met1Leu; changes the start codon (methionine 1).
Molecular consequence: missense variant, initiator codon variant.
Genome position (GRCh38, 1-based): chr1:119,415,420, A>T. VCF-style: chr1-119415420-A-T. GRCh37 (hg19) VCF-style: chr1-119958043-A-T.
Other names: c.1A>T, p.Met1Leu (NM_001166120.2); short protein forms M1L.
Identifiers: ClinVar variation 2748075 (VCV002748075.3), dbSNP rs776656223, ClinGen allele CA1035855.

ClinVar aggregate classification (germline): Pathogenic (1 of 4 stars; one submission).

Allele frequency attached by ClinVar (database versions not stated): gnomAD exomes below 0.00001; ExAC 0.00001.

Submission:

Labcorp Genetics (formerly Invitae), Labcorp
Classification: Pathogenic. Last evaluated: 2023-07-29. Review status: criteria provided, single submitter. Criteria: Invitae Variant Classification Sherloc (09022015). Collection method: clinical testing. Allele origin: germline.
Comment: For these reasons, this variant has been classified as Pathogenic. This variant disrupts a region of the HSD3B2 protein in which other variant(s) (p.Gly12Glu) have been determined to be pathogenic (PMID: 26079780). This suggests that this is a clinically significant region of the protein, and that variants that disrupt it are likely to be disease-causing. This variant has not been reported in the literature in individuals affected with HSD3B2-related conditions. This variant is present in population databases (rs776656223, gnomAD 0.0009%). This sequence change affects the initiator methionine of the HSD3B2 mRNA. The next in-frame methionine is located at codon 97.

Literature cited by the submitters: PubMed 26079780.